The following is an entry in ClinVar:

ClinVar aggregate classification (germline): Uncertain significance (1 of 4 stars; one submission).

Submission:

GeneDx
Classification: Uncertain significance. Last evaluated: 2024-09-10. Review status: criteria provided, single submitter. Criteria: GeneDx Variant Classification Process June 2021. Collection method: clinical testing. Allele origin: germline. Affected: yes.
Comment: Not observed at significant frequency in large population cohorts (gnomAD); In silico analysis supports that this missense variant has a deleterious effect on protein structure/function; Has not been previously published as pathogenic or benign to our knowledge

NM_001372066.1(TFAP2A):c.677C>G (p.Thr226Ser)

Genes: TFAP2A (transcription factor AP-2 alpha; minus strand), TFAP2A-AS2 (TFAP2A antisense RNA 2; plus strand), LOC121740638 (BRD4-independent group 4 enhancer GRCh37_chr6:10403277-10404476; plus strand). Cytogenetic location: 6p24.3.
Variant type: single nucleotide variant.
Coding change: c.677C>G on transcript NM_001372066.1 (MANE Select); coding-DNA position 677, C replaced by G.
Protein change: p.Thr226Ser; replaces threonine 226 with serine.
Molecular consequence: missense variant. On other transcripts: non-coding transcript variant (1).
Genome position (GRCh38, 1-based): chr6:10,404,601, G>C on the plus strand (C>G on the coding strand, the complement: TFAP2A is on the minus strand). VCF-style: chr6-10404601-G-C. GRCh37 (hg19) VCF-style: chr6-10404834-G-C.
Other names: c.653C>G, p.Thr218Ser (NM_001032280.3); c.659C>G, p.Thr220Ser (NM_001042425.3); short protein forms T218S, T220S, T226S.
Identifiers: ClinVar variation 3767531 (VCV003767531.1).